The following is an entry in ClinVar:

ClinVar aggregate classification (germline): Uncertain significance (1 of 4 stars; one submission).

Conditions:
Sulfite oxidase deficiency due to molybdenum cofactor deficiency type C. Also called: Molybdenum cofactor deficiency, complementation group C; Molybdenum cofactor deficiency C. Identifiers: Orphanet 308400, Orphanet 833, MedGen C1854990, MONDO:0014212, OMIM 615501.

Submission:

Labcorp Genetics (formerly Invitae), Labcorp
Classification: Uncertain significance for Sulfite oxidase deficiency due to molybdenum cofactor deficiency type C. Last evaluated: 2022-06-30. Review status: criteria provided, single submitter. Criteria: Invitae Variant Classification Sherloc (09022015). Collection method: clinical testing. Allele origin: germline.
Comment: In summary, the available evidence is currently insufficient to determine the role of this variant in disease. Therefore, it has been classified as a Variant of Uncertain Significance. Experimental studies and prediction algorithms are not available or were not evaluated, and the functional significance of this variant is currently unknown. This variant has not been reported in the literature in individuals affected with GPHN-related conditions. This variant is not present in population databases (gnomAD no frequency). This variant, c.645_650del, results in the deletion of 2 amino acid(s) of the GPHN protein (p.Glu217_Glu218del), but otherwise preserves the integrity of the reading frame.

NM_020806.5(GPHN):c.639GGAAGA[1] (p.Glu217_Glu218del)

Gene: GPHN (gephyrin; plus strand). Cytogenetic location: 14q23.3.
Variant type: Microsatellite.
Coding change: c.639GGAAGA[1] on transcript NM_020806.5 (MANE Select); one copy of the 6-base unit GGAAGA starting at c.639; the reference has two copies in a row; one copy, 6 bases deleted.
Protein change: p.Glu217_Glu218del.
Molecular consequence: inframe deletion.
Genome position (GRCh38, 1-based): chr14:66,922,854-66,922,859, GGAAGA deleted; deleting any 6 consecutive bases within chr14:66,922,846-66,922,859 gives the same sequence; the position shown is the placement nearest the transcript's 3' end. VCF-style (leftmost placement, unchanged base first): chr14-66922845-TGAGGAA-T. GRCh37 (hg19) VCF-style: chr14-67389562-TGAGGAA-T.
Other names: c.639GGAAGA[1], p.Glu217_Glu218del (NM_001024218.2, NM_001377515.1, NM_001377516.1 and 2 more transcripts); c.678GGAAGA[1], p.Glu230_Glu231del (NM_001377514.1, NM_001377519.1).
Identifiers: ClinVar variation 2012429 (VCV002012429.4), dbSNP rs2549615416, ClinGen allele CA2580613709.